The following is an entry in ClinVar:

ClinVar aggregate classification (germline): Uncertain significance. Review status: criteria provided, multiple submitters, no conflicts (2 of 4 stars). 5 submissions from 5 submitters: Uncertain significance (3). 2 of the submissions do not count toward it. Last evaluated 2025-01-31.

Conditions:
Inborn genetic diseases. Identifiers: MedGen C0950123, MeSH D030342.
Biotinidase deficiency. Also called: BTD deficiency; Late-onset biotin-responsive multiple carboxylase deficiency; Biotin deficiency. Identifiers: Orphanet 79241, MedGen C0220754, MONDO:0009665, OMIM 253260.

Allele frequency attached by ClinVar (database versions not stated): gnomAD exomes below 0.00001; ExAC 0.00001; gnomAD 0.00001; TOPMed 0.00001.
gnomAD v4.1: 5 of 1,614,008 alleles (0.00031%); highest among the groups gnomAD compares: Non-Finnish European, 0.00042%; no homozygotes.

Submissions (5):

Women's Health and Genetics/Laboratory Corporation of America, LabCorp
Classification: Uncertain significance. Last evaluated: 2025-01-31. Review status: criteria provided, single submitter. Criteria: LabCorp Variant Classification Summary - May 2015. Collection method: clinical testing. Allele origin: germline.
Comment: Variant summary: BTD c.455A>G (p.Asn152Ser) results in a conservative amino acid change in the encoded protein sequence. Three of five in-silico tools predict a damaging effect of the variant on protein function. The variant allele was found at a frequency of 4e-06 in 251344 control chromosomes (gnomAD). The available data on variant occurrences in the general population are insufficient to allow any conclusion about variant significance. c.455A>G has been reported in the literature in individuals affected with Biotinidase Deficiency (Muhl_2001, Mikati_2006). These data do not allow any conclusion about variant significance. To our knowledge, no experimental evidence demonstrating an impact on protein function has been reported. The following publications have been ascertained in the context of this evaluation (PMID: 17092467, 11313766). ClinVar contains an entry for this variant (Variation ID: 25017). Based on the evidence outlined above, the variant was classified as uncertain significance.

Ambry Genetics
Classification: Uncertain significance for Inborn genetic diseases. Last evaluated: 2022-03-23. Review status: criteria provided, single submitter. Criteria: Ambry Variant Classification Scheme 2023. Collection method: clinical testing. Allele origin: germline.

Labcorp Genetics (formerly Invitae), Labcorp
Classification: Uncertain significance for Biotinidase deficiency. Last evaluated: 2022-01-15. Review status: criteria provided, single submitter. Criteria: Invitae Variant Classification Sherloc (09022015). Collection method: clinical testing. Allele origin: germline.
Comment: This sequence change replaces asparagine, which is neutral and polar, with serine, which is neutral and polar, at codon 172 of the BTD protein (p.Asn172Ser). This variant is present in population databases (rs397514366, gnomAD 0.0009%). This missense change has been observed in individual(s) with biotinidase deficiency (PMID: 11313766). ClinVar contains an entry for this variant (Variation ID: 25017). Algorithms developed to predict the effect of missense changes on protein structure and function (SIFT, PolyPhen-2, Align-GVGD) all suggest that this variant is likely to be disruptive. Algorithms developed to predict the effect of sequence changes on RNA splicing suggest that this variant may create or strengthen a splice site. In summary, the available evidence is currently insufficient to determine the role of this variant in disease. Therefore, it has been classified as a Variant of Uncertain Significance.

Natera, Inc.
Classification: Uncertain significance for Biotinidase deficiency. Last evaluated: 2021-01-29. Review status: no assertion criteria provided. Collection method: clinical testing. Allele origin: germline. Not counted in ClinVar's aggregate classification.

Counsyl
Classification: Uncertain significance for Biotinidase deficiency. Last evaluated: 2017-11-09. Review status: no assertion criteria provided. Collection method: clinical testing. Allele origin: unknown. Not counted in ClinVar's aggregate classification.

Literature cited by the submitters: PubMed 11313766 (cited by 4 submitters); PubMed 17092467 (cited by Women's Health and Genetics/Laboratory Corporation of America, LabCorp).

NM_001370658.1(BTD):c.455A>G (p.Asn152Ser)

Gene: BTD (biotinidase; plus strand). Cytogenetic location: 3p25.1.
Variant type: single nucleotide variant.
Coding change: c.455A>G on transcript NM_001370658.1 (MANE Select); coding-DNA position 455, A replaced by G.
Protein change: p.Asn152Ser; replaces asparagine 152 with serine.
Molecular consequence: missense variant. On other transcripts: intron variant (1).
Genome position (GRCh38, 1-based): chr3:15,644,371, A>G. VCF-style: chr3-15644371-A-G. GRCh37 (hg19) VCF-style: chr3-15685878-A-G.
Other names: c.399+2314A>G (NM_001370753.1); c.515A>G, p.Asn172Ser (NM_000060.4); c.455A>G, p.Asn152Ser (NM_001281723.4, NM_001281724.3, NM_001281725.3 and 18 more transcripts); short protein forms N152S.
Identifiers: ClinVar variation 25017 (VCV000025017.15), dbSNP rs397514366, ClinGen allele CA278220.